The following is an entry in ClinVar:

ClinVar aggregate classification (germline): Uncertain significance (0 of 4 stars; one submission).

Conditions:
Prostate cancer. Also called: Malignant tumor of prostate. Identifiers: Orphanet 1331, MedGen C0376358, MONDO:0008315, HP:0012125.

Submission:

Science for Life laboratory,  Karolinska Institutet
Classification: Uncertain significance for Malignant tumor of prostate. Review status: no assertion criteria provided. Collection method: not provided. Allele origin: somatic.
Comment: TumorID:SWE-5
ClinVar note: Converted during submission from Unknown to Uncertain significance.

NM_173632.4(ZNF776):c.574A>C (p.Asn192His)

Gene: ZNF776 (zinc finger protein 776; plus strand). Cytogenetic location: 19q13.43.
Variant type: single nucleotide variant.
Coding change: c.574A>C on transcript NM_173632.4 (MANE Select); coding-DNA position 574, A replaced by C.
Protein change: p.Asn192His; replaces asparagine 192 with histidine.
Molecular consequence: missense variant. On other transcripts: non-coding transcript variant (2), intron variant (1).
Genome position (GRCh38, 1-based): chr19:57,753,704, A>C. VCF-style: chr19-57753704-A-C. GRCh37 (hg19) VCF-style: chr19-58265072-A-C.
Other names: c.249+325A>C (NM_001348007.2); short protein forms N192H.
Identifiers: ClinVar variation 161832 (VCV000161832.2), dbSNP rs193921007, ClinGen allele CA174870.